The following is an entry in ClinVar:

NM_004218.4(RAB11B):c.511+5C>G

Gene: RAB11B (RAB11B, member RAS oncogene family; plus strand). Cytogenetic location: 19p13.2.
Variant type: single nucleotide variant.
Coding change: c.511+5C>G on transcript NM_004218.4 (MANE Select); 5 bases into the intron after coding-DNA position 511, C replaced by G.
Molecular consequence: intron variant.
Genome position (GRCh38, 1-based): chr19:8,402,570, C>G. VCF-style: chr19-8402570-C-G. GRCh37 (hg19) VCF-style: chr19-8467454-C-G.
Identifiers: ClinVar variation 1447622 (VCV001447622.6), dbSNP rs375915679, ClinGen allele CA9156381.

ClinVar aggregate classification (germline): Uncertain significance (1 of 4 stars; one submission).

Allele frequency attached by ClinVar (database versions not stated): gnomAD exomes below 0.00001; ExAC 0.00001; TOPMed 0.00002; ESP Exome Variant Server 0.00008.
gnomAD v4.1: 2 of 1,609,512 alleles (0.00012%); highest among the groups gnomAD compares: African/African-American, 0.0027%; no homozygotes.

Submission:

Labcorp Genetics (formerly Invitae), Labcorp
Classification: Uncertain significance. Last evaluated: 2021-10-08. Review status: criteria provided, single submitter. Criteria: Invitae Variant Classification Sherloc (09022015). Collection method: clinical testing. Allele origin: germline.
Comment: In summary, the available evidence is currently insufficient to determine the role of this variant in disease. Therefore, it has been classified as a Variant of Uncertain Significance. Variants that disrupt the consensus splice site are a relatively common cause of aberrant splicing (PMID: 17576681, 9536098). Algorithms developed to predict the effect of sequence changes on RNA splicing suggest that this variant may create or strengthen a splice site. This variant has not been reported in the literature in individuals affected with RAB11B-related conditions. This variant is present in population databases (rs375915679, ExAC 0.01%). This sequence change falls in intron 4 of the RAB11B gene. It does not directly change the encoded amino acid sequence of the RAB11B protein. It affects a nucleotide within the consensus splice site.

Literature cited by the submitters: PubMed 17576681; PubMed 9536098.